The following is an entry in ClinVar:

ClinVar aggregate classification (germline): Conflicting classifications of pathogenicity. Review status: criteria provided, conflicting classifications (1 of 4 stars). 3 submissions from 3 submitters: Uncertain significance (1); Likely benign (1). 1 of the submissions does not count toward it. Last evaluated 2025-02-01.

Conditions:
Snijders Blok-Campeau syndrome. Also called: INTELLECTUAL DEVELOPMENTAL DISORDER WITH MACROCEPHALY, SPEECH DELAY, AND DYSMORPHIC FACIES. Identifiers: Orphanet 599082, MedGen C4748701, MONDO:0032600, OMIM 618205.
CHD3-related disorder. Also called: CHD3-related condition.
Inborn genetic diseases. Identifiers: MedGen C0950123, MeSH D030342.

Allele frequency attached by ClinVar (database versions not stated): ESP Exome Variant Server 0.00008; gnomAD exomes 0.00008; ExAC 0.00009; 1000 Genomes Project 30x 0.00016; 1000 Genomes Project 0.00020; gnomAD 0.00020 and 0.00022; TOPMed 0.00023.
gnomAD v4.1: 77 of 1,614,198 alleles (0.0048%); highest among the groups gnomAD compares: African/African-American, 0.081%; no homozygotes.

Submissions (3):

Ambry Genetics
Classification: Likely benign for Inborn genetic diseases. Last evaluated: 2025-02-01. Review status: criteria provided, single submitter. Criteria: Ambry Variant Classification Scheme 2023. Collection method: clinical testing. Allele origin: germline.

Centre of Medical Genetics, University Hospital Muenster
Classification: Uncertain significance for Snijders Blok-Campeau syndrome. Last evaluated: 2022-01-20. Review status: criteria provided, single submitter. Criteria: ACMG Guidelines, 2015. Collection method: clinical testing. Allele origin: germline. Affected: yes. Observed: 1 variant allele, 1 heterozygote.
Comment: ACMG categories: PM2

PreventionGenetics, part of Exact Sciences
Classification: Likely benign for CHD3-related condition. Last evaluated: 2023-08-10. Review status: no assertion criteria provided. Collection method: clinical testing. Allele origin: germline. Not counted in ClinVar's aggregate classification.
Comment: This variant is classified as likely benign based on ACMG/AMP sequence variant interpretation guidelines (Richards et al. 2015 PMID: 25741868, with internal and published modifications).

NM_001005273.3(CHD3):c.5950G>A (p.Gly1984Arg)

Gene: CHD3 (chromodomain helicase DNA binding protein 3; plus strand). Cytogenetic location: 17p13.1.
Variant type: single nucleotide variant.
Coding change: c.5950G>A on transcript NM_001005273.3 (MANE Select); coding-DNA position 5950, G replaced by A.
Protein change: p.Gly1984Arg; replaces glycine 1984 with arginine.
Molecular consequence: missense variant.
Genome position (GRCh38, 1-based): chr17:7,911,532, G>A. VCF-style: chr17-7911532-G-A. GRCh37 (hg19) VCF-style: chr17-7814850-G-A.
Other names: c.6127G>A, p.Gly2043Arg (NM_001005271.3); c.5848G>A, p.Gly1950Arg (NM_005852.4); c.6127G>A (NM_001005271.2); short protein forms G1950R, G1984R, G2043R.
Identifiers: ClinVar variation 1675173 (VCV001675173.5), dbSNP rs372395250, ClinGen allele CA8363839.